The following is an entry in ClinVar:

ClinVar aggregate classification (germline): Uncertain significance (0 of 4 stars; one submission).

Conditions:
IMPG1-related disorder. Also called: IMPG1-related condition.

gnomAD v4.1: 1 of 1,594,752 alleles (0.000063%); highest among the groups gnomAD compares: Non-Finnish European, 0.000086%; no homozygotes.

Submission:

PreventionGenetics, part of Exact Sciences
Classification: Uncertain significance for IMPG1-related condition. Last evaluated: 2024-03-31. Review status: no assertion criteria provided. Collection method: clinical testing. Allele origin: germline.
Comment: The IMPG1 c.553A>G variant is predicted to result in the amino acid substitution p.Ile185Val. To our knowledge, this variant has not been reported in the literature or in a large population database, indicating this variant is rare. At this time, the clinical significance of this variant is uncertain due to the absence of conclusive functional and genetic evidence.

NM_001563.4(IMPG1):c.553A>G (p.Ile185Val)

Gene: IMPG1 (interphotoreceptor matrix proteoglycan 1; minus strand). Cytogenetic location: 6q14.1.
Variant type: single nucleotide variant.
Coding change: c.553A>G on transcript NM_001563.4 (MANE Select); coding-DNA position 553, A replaced by G.
Protein change: p.Ile185Val; replaces isoleucine 185 with valine.
Molecular consequence: missense variant.
Genome position (GRCh38, 1-based): chr6:76,025,203, T>C on the plus strand (A>G on the coding strand, the complement: IMPG1 is on the minus strand). VCF-style: chr6-76025203-T-C. GRCh37 (hg19) VCF-style: chr6-76734920-T-C.
Other names: c.319A>G, p.Ile107Val (NM_001282368.2); short protein forms I107V, I185V.
Identifiers: ClinVar variation 3348416 (VCV003348416.1).